The following is an entry in ClinVar:

ClinVar aggregate classification (germline): Uncertain significance (1 of 4 stars; one submission).

Submission:

Labcorp Genetics (formerly Invitae), Labcorp
Classification: Uncertain significance. Last evaluated: 2023-12-31. Review status: criteria provided, single submitter. Criteria: Invitae Variant Classification Sherloc (09022015). Collection method: clinical testing. Allele origin: germline.
Comment: This sequence change creates a premature translational stop signal (p.Leu31Profs*6) in the CAPN5 gene. It is expected to result in an absent or disrupted protein product. However, the current clinical and genetic evidence is not sufficient to establish whether loss-of-function variants in CAPN5 cause disease. This variant is present in population databases (no rsID available, gnomAD 0.006%). This variant has not been reported in the literature in individuals affected with CAPN5-related conditions. In summary, the available evidence is currently insufficient to determine the role of this variant in disease. Therefore, it has been classified as a Variant of Uncertain Significance.

NM_004055.5(CAPN5):c.91dup (p.Leu31fs)

Gene: CAPN5 (calpain 5; plus strand). Cytogenetic location: 11q13.5.
Variant type: Duplication.
Coding change: c.91dup on transcript NM_004055.5 (MANE Select); coding-DNA position 91, one base duplicated (C; older notation c.91dupC).
Protein change: p.Leu31fs; shifts the reading frame from leucine 31.
Molecular consequence: frameshift variant.
Genome position (GRCh38, 1-based): chr11:77,084,977, C duplicated; the last of 5 consecutive C bases (chr11:77,084,973-77,084,977); duplicating any one gives the same sequence. VCF-style (leftmost placement, unchanged base first): chr11-77084972-A-AC. GRCh37 (hg19) VCF-style: chr11-76796018-A-AC.
Other names: c.91dup, p.Leu31Profs (NM_001425321.1, NM_001425322.1, NM_001425323.1); short protein forms L31fs.
Identifiers: ClinVar variation 2754442 (VCV002754442.3), dbSNP rs781925553, ClinGen allele CA600334657.
Genomic context (GRCh38, chr11:77,084,972, plus strand): 5'-AGGACCAGAACTACTCAGCCCTGAGGCGGGACTGCCGGCGCAGGAAGGTGCTCTTCGAGG[A>AC]CCCCCTCTTCCCCGCCACTGACGACTCACTCTACTATAAGGGCACGCCGGGGCCCGCCGT-3'